The following is an entry in ClinVar:

ClinVar aggregate classification (germline): Pathogenic. Review status: criteria provided, multiple submitters, no conflicts (2 of 4 stars). 6 submissions from 6 submitters: Pathogenic (5). 1 of the submissions does not count toward it. Last evaluated 2025-08-11.

Conditions:
Young-onset Parkinson disease. Identifiers: Orphanet 2828, MedGen C4275179, MONDO:0017279.
Early-onset Parkinson disease 20. Also called: PARKINSON DISEASE 20, AUTOSOMAL RECESSIVE EARLY-ONSET. Identifiers: Orphanet 391411, MedGen C3809824, MONDO:0014233, OMIM 615530.
Developmental and epileptic encephalopathy, 53. Also called: Epileptic encephalopathy, early infantile, 53. Identifiers: MedGen C4479313, MONDO:0033362, OMIM 617389.
SYNJ1-related disorder. Also called: SYNJ1-related condition.

Allele frequency attached by ClinVar (database versions not stated): ExAC 0.00002; gnomAD exomes 0.00001.
gnomAD v4.1: 17 of 1,614,092 alleles (0.0011%); highest among the groups gnomAD compares: Middle Eastern, 0.016%; no homozygotes.

Submissions (6):

Labcorp Genetics (formerly Invitae), Labcorp
Classification: Pathogenic for Developmental and epileptic encephalopathy, 53; Early-onset Parkinson disease 20. Last evaluated: 2025-08-11. Review status: criteria provided, single submitter. Criteria: Invitae Variant Classification Sherloc (09022015). Collection method: clinical testing. Allele origin: germline.
Comment: This sequence change replaces arginine, which is basic and polar, with glutamine, which is neutral and polar, at codon 258 of the SYNJ1 protein (p.Arg258Gln). This variant is present in population databases (rs398122403, gnomAD 0.003%). This missense change has been observed in individuals with Parkinson disease (PMID: 23804563, 23804577, 24816432). It has also been observed to segregate with disease in related individuals. ClinVar contains an entry for this variant (Variation ID: 88844). Invitae Evidence Modeling of protein sequence and biophysical properties (such as structural, functional, and spatial information, amino acid conservation, physicochemical variation, residue mobility, and thermodynamic stability) indicates that this missense variant is expected to disrupt SYNJ1 protein function with a positive predictive value of 80%. Experimental studies have shown that this missense change affects SYNJ1 function (PMID: 23804563). For these reasons, this variant has been classified as Pathogenic.

GeneDx
Classification: Pathogenic. Last evaluated: 2024-11-13. Review status: criteria provided, single submitter. Criteria: GeneDx Variant Classification Process June 2021. Collection method: clinical testing. Allele origin: germline. Affected: yes.
Comment: Published functional studies demonstrate a damaging effect with this variant resulting in reduced phosphatase activity and defects in endocytosis at the presynaptic nerve terminals (PMID: 28231468, 23804563); In silico analysis supports that this missense variant has a deleterious effect on protein structure/function; Not observed at significant frequency in large population cohorts (gnomAD); This variant is associated with the following publications: (PMID: 28231468, 23804563, 29515184, 35810474, 23804577, 27869329, 33841314, 24816432)

PreventionGenetics, part of Exact Sciences
Classification: Pathogenic for SYNJ1-related condition. Last evaluated: 2023-06-15. Review status: criteria provided, single submitter. Criteria: ACMG Guidelines, 2015. Collection method: clinical testing. Allele origin: germline.
Comment: The SYNJ1 c.773G>A variant is predicted to result in the amino acid substitution p.Arg258Gln. This variant was reported in the homozygous and compound heterozygous states in multiple individuals with early onset Parkinsonism (Krebs et al. 2013. PubMed ID: 23804563; Quadri et al. 2013. PubMed ID: 23804577; Olgiati et al. 2014. PubMed ID: 24816432; Rauschendorf et al. 2016. PubMed ID: 27869329). Functional studies of this variant have provided evidence that this variant impacts protein function (Cao et al. 2017. PubMed ID: 28231468; Fasano et al. 2018. PubMed ID: 29515184). This variant is reported in 0.0033% of alleles in individuals of South Asian descent in gnomAD. This variant is interpreted as pathogenic.

Cambridge Genomics Laboratory, East Genomic Laboratory Hub, NHS Genomic Medicine Service
Classification: Pathogenic for Young-onset Parkinson disease. Last evaluated: 2020-01-18. Review status: criteria provided, single submitter. Criteria: ACGS Best Practice Guidelines for Variant Classification in Rare Disease 2020. Collection method: clinical testing. Allele origin: germline. Affected: yes. Observed: 1 variant allele.

Institute for Human Genetics, University Medical Center Freiburg
Classification: Pathogenic for Early-onset Parkinson disease 20. Last evaluated: 2016-08-30. Review status: criteria provided, single submitter. Criteria: Rauschendorf et al. (Mov Disord. 2017). Collection method: case-control. Allele origin: germline. Affected: yes.
Comment: This variant was found in two German patients with epilepsy early in the disease course, followed by progressive generalized dopa-responsive dystonia associated with severe action tremor of the tongue, head, and extremities in their early teen years, and cognitive deterioration. We identified compound heterozygous mutations (NP_982271.2:p.Trp171*/NP_982271.2:p.Arg258Gln) in the SYNJ1 gene, affecting the N-terminal suppressor of actin1 (SAC1)-like domain of the SYNJ1 protein.

OMIM
Classification: Pathogenic for PARKINSON DISEASE 20, AUTOSOMAL RECESSIVE EARLY-ONSET. Last evaluated: 2013-09-01. Review status: no assertion criteria provided. Collection method: literature only. Allele origin: germline. Not counted in ClinVar's aggregate classification.

Literature cited by the submitters: PubMed 23804563 (cited by 3 submitters); PubMed 23804577 (cited by 3 submitters); PubMed 24816432 (cited by Labcorp Genetics (formerly Invitae), Labcorp).

NM_203446.3(SYNJ1):c.656G>A (p.Arg219Gln)

Gene: SYNJ1 (synaptojanin 1; minus strand). Cytogenetic location: 21q22.11.
Variant type: single nucleotide variant.
Coding change: c.656G>A on transcript NM_203446.3 (MANE Select); coding-DNA position 656, G replaced by A.
Protein change: p.Arg219Gln; replaces arginine 219 with glutamine.
Molecular consequence: missense variant.
Genome position (GRCh38, 1-based): chr21:32,695,106, C>T on the plus strand (G>A on the coding strand, the complement: SYNJ1 is on the minus strand). VCF-style: chr21-32695106-C-T. GRCh37 (hg19) VCF-style: chr21-34067416-C-T.
Other names: c.656G>A, p.Arg219Gln (NM_001160302.2, NM_001160306.2); c.773G>A, p.Arg258Gln (NM_003895.4); short protein forms R258Q, R219Q.
Identifiers: ClinVar variation 88844 (VCV000088844.12), dbSNP rs398122403, ClinGen allele CA145358.